The following is an entry in ClinVar:

NM_003906.5(MCM3AP):c.2716del (p.Arg906fs)

Gene: MCM3AP (minichromosome maintenance complex component 3 associated protein; minus strand). Cytogenetic location: 21q22.3.
Variant type: Deletion.
Coding change: c.2716del on transcript NM_003906.5 (MANE Select); coding-DNA position 2716, one base deleted (C; older notation c.2716delC).
Protein change: p.Arg906fs; shifts the reading frame from arginine 906.
Molecular consequence: frameshift variant.
Genome position (GRCh38, 1-based): chr21:46,267,055, G deleted on the plus strand (C on the coding strand, the reverse complement: MCM3AP is on the minus strand). VCF-style (leftmost placement, unchanged base first): chr21-46267054-CG-C. GRCh37 (hg19) VCF-style: chr21-47686968-CG-C.
Other names: short protein forms R906fs.
Identifiers: ClinVar variation 2783495 (VCV002783495.3), dbSNP rs2081122042, ClinGen allele CA2392585054.

ClinVar aggregate classification (germline): Pathogenic (1 of 4 stars; one submission).

Allele frequency attached by ClinVar (database versions not stated): TOPMed below 0.00001.

Submission:

Labcorp Genetics (formerly Invitae), Labcorp
Classification: Pathogenic. Last evaluated: 2023-12-19. Review status: criteria provided, single submitter. Criteria: Invitae Variant Classification Sherloc (09022015). Collection method: clinical testing. Allele origin: germline.
Comment: This sequence change creates a premature translational stop signal (p.Arg906Alafs*29) in the MCM3AP gene. It is expected to result in an absent or disrupted protein product. Loss-of-function variants in MCM3AP are known to be pathogenic (PMID: 28633435). This variant is not present in population databases (gnomAD no frequency). This variant has not been reported in the literature in individuals affected with MCM3AP-related conditions. For these reasons, this variant has been classified as Pathogenic.

Literature cited by the submitters: PubMed 28633435.